The following is an entry in ClinVar:

ClinVar aggregate classification (germline): Benign (0 of 4 stars; one submission).

Conditions:
SLC28A1-related disorder. Also called: SLC28A1-related condition.

Allele frequency attached by ClinVar (database versions not stated): gnomAD 0.00341; ESP Exome Variant Server 0.00377; TOPMed 0.00397; 1000 Genomes Project 0.00479; 1000 Genomes Project 30x 0.00500.
gnomAD v4.1: 1,089 of 1,612,858 alleles (0.068%); highest among the groups gnomAD compares: African/African-American, 1.2%; 14 homozygotes.

Submissions (2):

PreventionGenetics, part of Exact Sciences
Classification: Benign for SLC28A1-related condition. Last evaluated: 2019-12-06. Review status: no assertion criteria provided. Collection method: clinical testing. Allele origin: germline.
Comment: This variant is classified as benign based on ACMG/AMP sequence variant interpretation guidelines (Richards et al. 2015 PMID: 25741868, with internal and published modifications).

Dr. Peter K. Rogan Lab, Western University
No classification provided (evidence only). Condition: Uterine corpus endometrial carcinoma. Review status: no classification provided. Collection method: in vitro. Allele origin: not applicable. Functional consequence: retained intron. Not counted in ClinVar's aggregate classification.

NM_004213.5(SLC28A1):c.796-5G>A

Gene: SLC28A1 (solute carrier family 28 member 1; plus strand). Cytogenetic location: 15q25.3.
Variant type: single nucleotide variant.
Coding change: c.796-5G>A on transcript NM_004213.5 (MANE Select); 5 bases into the intron before coding-DNA position 796, G replaced by A.
Molecular consequence: intron variant.
Genome position (GRCh38, 1-based): chr15:84,918,519, G>A. VCF-style: chr15-84918519-G-A. GRCh37 (hg19) VCF-style: chr15-85461750-G-A.
Other names: NC_000015.9:g.85461750G>A; c.796-5G>A (NM_001321722.2, NM_001321721.2, NM_001287762.2 and 1 more transcripts).
Identifiers: ClinVar variation 3039253 (VCV003039253.3), dbSNP rs145516173, ClinGen allele CA7710588.